The following is an entry in ClinVar:

NM_001845.6(COL4A1):c.4586T>C (p.Met1529Thr)

Gene: COL4A1 (collagen type IV alpha 1 chain; minus strand). Cytogenetic location: 13q34.
Variant type: single nucleotide variant.
Coding change: c.4586T>C on transcript NM_001845.6 (MANE Select); coding-DNA position 4586, T replaced by C.
Protein change: p.Met1529Thr; replaces methionine 1529 with threonine.
Molecular consequence: missense variant.
Genome position (GRCh38, 1-based): chr13:110,161,246, A>G on the plus strand (T>C on the coding strand, the complement: COL4A1 is on the minus strand). VCF-style: chr13-110161246-A-G. GRCh37 (hg19) VCF-style: chr13-110813593-A-G.
Other names: short protein forms M1529T.
Identifiers: ClinVar variation 4744957 (VCV004744957.1).
Genomic context (GRCh38, chr13:110,161,246, plus strand): 5'-ACTCACCTACTAATAAATGGTCTTATGTTTTCCCCCGTGATGGGTGCCATTGACATGGGC[A>G]TGGGCTCAGGGGTGGACAGCCAGTACGAGTAGTCATTTCGTGATGCAAAGTTGCACACGT-3'
Protein context (NP_001836.3, residues 1519-1539): YSYWLSTPEP[Met1529Thr]PMSMAPITGE

ClinVar aggregate classification (germline): Uncertain significance (1 of 4 stars; one submission).

Submission:

Labcorp Genetics (formerly Invitae), Labcorp
Classification: Uncertain significance. Last evaluated: 2025-06-11. Review status: criteria provided, single submitter. Criteria: Invitae Variant Classification Sherloc (09022015). Collection method: clinical testing. Allele origin: germline.
Comment: This sequence change replaces methionine, which is neutral and non-polar, with threonine, which is neutral and polar, at codon 1529 of the COL4A1 protein (p.Met1529Thr). This variant is present in population databases (rs762612595, gnomAD 0.03%). This variant has not been reported in the literature in individuals affected with COL4A1-related conditions. Invitae Evidence Modeling of protein sequence and biophysical properties (such as structural, functional, and spatial information, amino acid conservation, physicochemical variation, residue mobility, and thermodynamic stability) indicates that this missense variant is not expected to disrupt COL4A1 protein function with a negative predictive value of 80%. In summary, the available evidence is currently insufficient to determine the role of this variant in disease. Therefore, it has been classified as a Variant of Uncertain Significance.